The following is an entry in ClinVar:

ClinVar aggregate classification (germline): Uncertain significance. Review status: criteria provided, multiple submitters, no conflicts (2 of 4 stars). 3 submissions from 3 submitters: Uncertain significance (3). Last evaluated 2022-10-14.

Conditions:
Multiple sulfatase deficiency (MSD). Also called: Mucosulfatidosis; Multiple Sulfatase Deficiency Disease; Sulfatidosis, Juvenile, Austin Type. Identifiers: Orphanet 585, MedGen C0268263, MONDO:0010088, OMIM 272200.

Allele frequency attached by ClinVar (database versions not stated): TOPMed 0.00002; ExAC 0.00003; gnomAD exomes 0.00003; gnomAD 0.00009.
gnomAD v4.1: 68 of 1,600,870 alleles (0.0042%); highest among the groups gnomAD compares: Admixed American, 0.029%; 2 homozygotes.

Submissions (3):

Labcorp Genetics (formerly Invitae), Labcorp
Classification: Uncertain significance for Multiple sulfatase deficiency. Last evaluated: 2022-10-14. Review status: criteria provided, single submitter. Criteria: Invitae Variant Classification Sherloc (09022015). Collection method: clinical testing. Allele origin: germline.
Comment: This sequence change replaces arginine, which is basic and polar, with glutamine, which is neutral and polar, at codon 84 of the SUMF1 protein (p.Arg84Gln). The frequency data for this variant in the population databases is considered unreliable, as metrics indicate poor data quality at this position in the gnomAD database. This variant has not been reported in the literature in individuals affected with SUMF1-related conditions. ClinVar contains an entry for this variant (Variation ID: 345325). Advanced modeling of protein sequence and biophysical properties (such as structural, functional, and spatial information, amino acid conservation, physicochemical variation, residue mobility, and thermodynamic stability) performed at Invitae indicates that this missense variant is not expected to disrupt SUMF1 protein function. In summary, the available evidence is currently insufficient to determine the role of this variant in disease. Therefore, it has been classified as a Variant of Uncertain Significance.

Mayo Clinic Laboratories, Mayo Clinic
Classification: Uncertain significance. Last evaluated: 2022-02-25. Review status: criteria provided, single submitter. Criteria: ACMG Guidelines, 2015. Collection method: clinical testing. Allele origin: germline. Observed: 1 variant allele.
Comment: BP4, PM2

Illumina Laboratory Services, Illumina
Classification: Uncertain significance for Multiple sulfatase deficiency. Last evaluated: 2018-01-13. Review status: criteria provided, single submitter. Criteria: ICSL Variant Classification Criteria 13 December 2019. Collection method: clinical testing. Allele origin: germline.

NM_182760.4(SUMF1):c.251G>A (p.Arg84Gln)

Genes: SUMF1 (sulfatase modifying factor 1; minus strand), LOC129936056 (ATAC-STARR-seq lymphoblastoid silent region 14016; plus strand). Cytogenetic location: 3p26.1.
Variant type: single nucleotide variant.
Coding change: c.251G>A on transcript NM_182760.4 (MANE Select); coding-DNA position 251, G replaced by A.
Protein change: p.Arg84Gln; replaces arginine 84 with glutamine.
Molecular consequence: missense variant.
Genome position (GRCh38, 1-based): chr3:4,466,995, C>T on the plus strand (G>A on the coding strand, the complement: SUMF1 is on the minus strand). VCF-style: chr3-4466995-C-T. GRCh37 (hg19) VCF-style: chr3-4508679-C-T.
Other names: p.Arg84Gln; c.251G>A, p.Arg84Gln (NM_001164674.2, NM_001164675.2); short protein forms R84Q.
Identifiers: ClinVar variation 345325 (VCV000345325.8), dbSNP rs762094231, ClinGen allele CA2230674.